The following is an entry in ClinVar:

NM_001130144.3(LTBP3):c.1557T>A (p.Ser519Arg)

Gene: LTBP3 (latent transforming growth factor beta binding protein 3; minus strand). Cytogenetic location: 11q13.1.
Variant type: single nucleotide variant.
Coding change: c.1557T>A on transcript NM_001130144.3 (MANE Select); coding-DNA position 1557, T replaced by A.
Protein change: p.Ser519Arg; replaces serine 519 with arginine.
Molecular consequence: missense variant.
Genome position (GRCh38, 1-based): chr11:65,551,466, A>T on the plus strand (T>A on the coding strand, the complement: LTBP3 is on the minus strand). VCF-style: chr11-65551466-A-T. GRCh37 (hg19) VCF-style: chr11-65318937-A-T.
Other names: c.1206T>A, p.Ser402Arg (NM_001164266.1); c.1557T>A, p.Ser519Arg (NM_021070.4); short protein forms S519R, S402R.
Identifiers: ClinVar variation 2865884 (VCV002865884.3), dbSNP rs1178071086, ClinGen allele CA381272966.
Genomic context (GRCh38, chr11:65,551,466, plus strand): 5'-GTAGGGCCGGGCAGGAGTCGTGGTGGCAGTTGGGTGGCTCTGCTGCACTGACCTCTCCTC[A>T]CTCACCGGCTGCGGGTGACAGCAGCATGAGCCCTCCTGTCCCTCGCCTGCCCACCCCTCC-3'
Protein context (NP_001123616.1, residues 509-529): ERGVTTDSPV[Ser519Arg]EERSVQQSHP

ClinVar aggregate classification (germline): Uncertain significance (1 of 4 stars; one submission).

Conditions:
Brachyolmia-amelogenesis imperfecta syndrome. Also called: PLATYSPONDYLY WITH AMELOGENESIS IMPERFECTA; Tooth agenesis, selective, 6; Dental anomalies and short stature. Identifiers: Orphanet 2899, MedGen C1832594, MONDO:0011018, OMIM 601216. Disease mechanism: loss of function.

Allele frequency attached by ClinVar (database versions not stated): gnomAD exomes below 0.00001; TOPMed below 0.00001.
gnomAD v4.1: 1 of 1,613,212 alleles (0.000062%); highest among the groups gnomAD compares: Admixed American, 0.0017%; no homozygotes.

Submission:

Labcorp Genetics (formerly Invitae), Labcorp
Classification: Uncertain significance for Brachyolmia-amelogenesis imperfecta syndrome. Last evaluated: 2023-06-16. Review status: criteria provided, single submitter. Criteria: Invitae Variant Classification Sherloc (09022015). Collection method: clinical testing. Allele origin: germline.
Comment: This sequence change replaces serine, which is neutral and polar, with arginine, which is basic and polar, at codon 519 of the LTBP3 protein (p.Ser519Arg). In summary, the available evidence is currently insufficient to determine the role of this variant in disease. Therefore, it has been classified as a Variant of Uncertain Significance. An algorithm developed to predict the effect of missense changes on protein structure and function (PolyPhen-2) suggests that this variant is likely to be tolerated. This variant has not been reported in the literature in individuals affected with LTBP3-related conditions. This variant is present in population databases (no rsID available, gnomAD 0.003%).